The following is an entry in ClinVar:

NM_025137.4(SPG11):c.5741G>T (p.Cys1914Phe)

Gene: SPG11 (SPG11 vesicle trafficking associated, spatacsin; minus strand). Cytogenetic location: 15q21.1.
Variant type: single nucleotide variant.
Coding change: c.5741G>T on transcript NM_025137.4 (MANE Select); coding-DNA position 5741, G replaced by T.
Protein change: p.Cys1914Phe; replaces cysteine 1914 with phenylalanine.
Molecular consequence: missense variant.
Genome position (GRCh38, 1-based): chr15:44,583,939, C>A on the plus strand (G>T on the coding strand, the complement: SPG11 is on the minus strand). VCF-style: chr15-44583939-C-A. GRCh37 (hg19) VCF-style: chr15-44876137-C-A.
Other names: c.5741G>T, p.Cys1914Phe (NM_001160227.2); short protein forms C1914F.
Identifiers: ClinVar variation 886577 (VCV000886577.9), dbSNP rs752725391, ClinGen allele CA392221499.

ClinVar aggregate classification (germline): Uncertain significance. Review status: criteria provided, multiple submitters, no conflicts (2 of 4 stars). 5 submissions from 3 submitters: Uncertain significance (5). Last evaluated 2021-08-31.

Conditions:
Hereditary spastic paraplegia 11. Also called: Nakamura Osame syndrome; Autosomal recessive hereditary spastic paraplegia, mental impairment, and thin corpus callosum; Spastic paraplegia, mental retardation and thin corpus callosum; SPASTIC PARAPLEGIA, AUTOSOMAL RECESSIVE, COMPLICATED, WITH THIN CORPUS CALLOSUM; SPASTIC PARAPLEGIA, AUTOSOMAL RECESSIVE, WITH MENTAL IMPAIRMENT AND THIN CORPUS CALLOSUM; Spastic Paraplegia 11. Identifiers: Orphanet 2822, MedGen C1858479, MONDO:0011445, OMIM 604360.
Charcot-Marie-Tooth disease axonal type 2X. Also called: CHARCOT-MARIE-TOOTH DISEASE, AXONAL, AUTOSOMAL RECESSIVE, TYPE 2X; CHARCOT-MARIE-TOOTH NEUROPATHY, TYPE 2X. Identifiers: Orphanet 466775, MedGen C5569024, MONDO:0014726, OMIM 616668.
Amyotrophic lateral sclerosis type 5 (ALS5). Also called: AMYOTROPHIC LATERAL SCLEROSIS 5, JUVENILE. Identifiers: Orphanet 300605, MedGen C1865864, MONDO:0011196, OMIM 602099.

Allele frequency attached by ClinVar (database versions not stated): gnomAD 0.00001; TOPMed 0.00001.
gnomAD v4.1: 7 of 1,614,096 alleles (0.00043%); highest among the groups gnomAD compares: Non-Finnish European, 0.00059%; no homozygotes.

Submissions (5):

Labcorp Genetics (formerly Invitae), Labcorp
Classification: Uncertain significance for Hereditary spastic paraplegia 11. Last evaluated: 2021-08-31. Review status: criteria provided, single submitter. Criteria: Invitae Variant Classification Sherloc (09022015). Collection method: clinical testing. Allele origin: germline.
Comment: This sequence change replaces cysteine with phenylalanine at codon 1914 of the SPG11 protein (p.Cys1914Phe). The cysteine residue is highly conserved and there is a large physicochemical difference between cysteine and phenylalanine. This variant is not present in population databases (ExAC no frequency). This variant has not been reported in the literature in individuals affected with SPG11-related conditions. ClinVar contains an entry for this variant (Variation ID: 886577). Algorithms developed to predict the effect of missense changes on protein structure and function are either unavailable or do not agree on the potential impact of this missense change (SIFT: "Deleterious"; PolyPhen-2: "Probably Damaging"; Align-GVGD: "Class C0"). In summary, the available evidence is currently insufficient to determine the role of this variant in disease. Therefore, it has been classified as a Variant of Uncertain Significance.

Illumina Laboratory Services, Illumina
Classification: Uncertain significance for Hereditary spastic paraplegia 11. Last evaluated: 2018-01-12. Review status: criteria provided, single submitter. Criteria: ICSL Variant Classification Criteria 13 December 2019. Collection method: clinical testing. Allele origin: germline.

Genome-Nilou Lab
Classification: Uncertain significance for Amyotrophic lateral sclerosis type 5. Review status: criteria provided, single submitter. Criteria: ACMG Guidelines, 2015. Collection method: clinical testing. Allele origin: germline.

Genome-Nilou Lab
Classification: Uncertain significance for Charcot-Marie-Tooth disease axonal type 2X. Review status: criteria provided, single submitter. Criteria: ACMG Guidelines, 2015. Collection method: clinical testing. Allele origin: germline.

Genome-Nilou Lab
Classification: Uncertain significance for Hereditary spastic paraplegia 11. Review status: criteria provided, single submitter. Criteria: ACMG Guidelines, 2015. Collection method: clinical testing. Allele origin: germline.